The following is an entry in ClinVar:

ClinVar aggregate classification (germline): Pathogenic (1 of 4 stars; one submission).

Conditions:
Alstrom syndrome (ALMS). Identifiers: Orphanet 64, MedGen C0268425, MONDO:0008763, OMIM 203800.

Submission:

Labcorp Genetics (formerly Invitae), Labcorp
Classification: Pathogenic for Alstrom syndrome. Last evaluated: 2023-10-04. Review status: criteria provided, single submitter. Criteria: Invitae Variant Classification Sherloc (09022015). Collection method: clinical testing. Allele origin: germline.
Comment: This sequence change creates a premature translational stop signal (p.Pro2692Leufs*18) in the ALMS1 gene. It is expected to result in an absent or disrupted protein product. Loss-of-function variants in ALMS1 are known to be pathogenic (PMID: 17594715). This variant is not present in population databases (gnomAD no frequency). This variant has not been reported in the literature in individuals affected with ALMS1-related conditions. For these reasons, this variant has been classified as Pathogenic.

Literature cited by the submitters: PubMed 17594715.

NM_001378454.1(ALMS1):c.8072del (p.Pro2691fs)

Gene: ALMS1 (ALMS1 centrosome and basal body associated protein; plus strand). Cytogenetic location: 2p13.1.
Variant type: Deletion.
Coding change: c.8072del on transcript NM_001378454.1 (MANE Select); coding-DNA position 8072, one base deleted (C; older notation c.8072delC).
Protein change: p.Pro2691fs; shifts the reading frame from proline 2691.
Molecular consequence: frameshift variant.
Genome position (GRCh38, 1-based): chr2:73,490,031, C deleted; the last of 2 consecutive C bases (chr2:73,490,030-73,490,031); deleting either gives the same sequence. VCF-style (leftmost placement, unchanged base first): chr2-73490029-AC-A. GRCh37 (hg19) VCF-style: chr2-73717156-AC-A.
Other names: c.8075del, p.Pro2692fs (NM_015120.4); short protein forms P2692fs, P2691fs.
Identifiers: ClinVar variation 2726167 (VCV002726167.3), dbSNP rs2466214029, ClinGen allele CA2577005008.